The following is an entry in ClinVar:

NM_000069.3(CACNA1S):c.4243G>A (p.Gly1415Arg)

Gene: CACNA1S (calcium voltage-gated channel subunit alpha1 S; minus strand). Cytogenetic location: 1q32.1.
Variant type: single nucleotide variant.
Coding change: c.4243G>A on transcript NM_000069.3 (MANE Select); coding-DNA position 4243, G replaced by A.
Protein change: p.Gly1415Arg; replaces glycine 1415 with arginine.
Molecular consequence: missense variant.
Genome position (GRCh38, 1-based): chr1:201,049,098, C>T on the plus strand (G>A on the coding strand, the complement: CACNA1S is on the minus strand). VCF-style: chr1-201049098-C-T. GRCh37 (hg19) VCF-style: chr1-201018226-C-T.
Other names: short protein forms G1415R.
Identifiers: ClinVar variation 294721 (VCV000294721.15), dbSNP rs886045796, ClinGen allele CA10608731.

ClinVar aggregate classification (germline): Uncertain significance. Review status: criteria provided, multiple submitters, no conflicts (2 of 4 stars). 7 submissions from 4 submitters: Uncertain significance (7). Last evaluated 2023-09-14.

Conditions:
Congenital myopathy 18. Also called: DIHYDROPYRIDINE RECEPTOR CONGENITAL MYOPATHY; DHPR CONGENITAL MYOPATHY; Myopathy, congenital, due to dihydropyridine receptor defect. Identifiers: MedGen C5830283, MONDO:0859514, OMIM 620246.
Hypokalemic periodic paralysis, type 1. Also called: Hypokalemic Periodic Paralysis Type 1 (AD); HypoPP. Identifiers: Orphanet 681, MedGen C3714580, MONDO:0042979, OMIM 170400.
Malignant hyperthermia, susceptibility to, 5 (MHS5). Also called: CACNA1S-Related Malignant Hyperthermia Susceptibility. Identifiers: Orphanet 423, MedGen C1866077, MONDO:0011163, OMIM 601887.
Thyrotoxic periodic paralysis, susceptibility to, 1 (TTPP1). Identifiers: Orphanet 79102, MedGen C2749982, MONDO:0008570, OMIM 188580.

Allele frequency attached by ClinVar (database versions not stated): gnomAD exomes below 0.00001 and 0.00002; gnomAD 0.00001; TOPMed 0.00001.
gnomAD v4.1: 26 of 1,608,762 alleles (0.0016%); highest among the groups gnomAD compares: Non-Finnish European, 0.002%; no homozygotes.

Submissions (7):

Labcorp Genetics (formerly Invitae), Labcorp
Classification: Uncertain significance for Hypokalemic periodic paralysis, type 1; Malignant hyperthermia, susceptibility to, 5. Last evaluated: 2023-09-14. Review status: criteria provided, single submitter. Criteria: Invitae Variant Classification Sherloc (09022015). Collection method: clinical testing. Allele origin: germline.
Comment: In summary, the available evidence is currently insufficient to determine the role of this variant in disease. Therefore, it has been classified as a Variant of Uncertain Significance. An algorithm developed to predict the effect of missense changes on protein structure and function (PolyPhen-2) suggests that this variant is likely to be disruptive. ClinVar contains an entry for this variant (Variation ID: 294721). This variant has not been reported in the literature in individuals affected with CACNA1S-related conditions. This variant is present in population databases (no rsID available, gnomAD 0.0009%). This sequence change replaces glycine, which is neutral and non-polar, with arginine, which is basic and polar, at codon 1415 of the CACNA1S protein (p.Gly1415Arg).

Genome-Nilou Lab
Classification: Uncertain significance for Malignant hyperthermia, susceptibility to, 5. Last evaluated: 2023-04-11. Review status: criteria provided, single submitter. Criteria: ACMG Guidelines, 2015. Collection method: clinical testing. Allele origin: germline. Affected: no.

Genome-Nilou Lab
Classification: Uncertain significance for Thyrotoxic periodic paralysis, susceptibility to, 1. Last evaluated: 2023-04-11. Review status: criteria provided, single submitter. Criteria: ACMG Guidelines, 2015. Collection method: clinical testing. Allele origin: germline. Affected: no.

Genome-Nilou Lab
Classification: Uncertain significance for Congenital myopathy 18. Last evaluated: 2023-04-11. Review status: criteria provided, single submitter. Criteria: ACMG Guidelines, 2015. Collection method: clinical testing. Allele origin: germline. Affected: no.

Genome-Nilou Lab
Classification: Uncertain significance for Hypokalemic periodic paralysis, type 1. Last evaluated: 2023-04-11. Review status: criteria provided, single submitter. Criteria: ACMG Guidelines, 2015. Collection method: clinical testing. Allele origin: germline. Affected: no.

Illumina Laboratory Services, Illumina
Classification: Uncertain significance for Hypokalemic periodic paralysis, type 1. Last evaluated: 2018-01-12. Review status: criteria provided, single submitter. Criteria: ICSL Variant Classification Criteria 13 December 2019. Collection method: clinical testing. Allele origin: germline.

GeneDx
Classification: Uncertain significance. Last evaluated: 2017-04-28. Review status: criteria provided, single submitter. Criteria: GeneDx Variant Classification (06012015). Collection method: clinical testing. Allele origin: germline. Affected: yes.
Comment: A variant of uncertain significance has been identified in the CACNA1S gene. The G1415R variant has not been published as a pathogenic variant, nor has it been reported as a benign variant to our knowledge. The G1415R variant is not observed in large population cohorts (Lek et al., 2016; 1000 Genomes Consortium et al., 2015; Exome Variant Server). The G1415R variant is a non-conservative amino acid substitution, which is likely to impact secondary protein structure as these residues differ in polarity, charge, size and/or other properties. This substitution occurs at a position that is conserved across species and in silico analysis predicts this variant is probably damaging to the protein structure/function. However, missense variants in nearby residues have not been reported in Human Gene Mutation Database in association with CACNA1S-related disorders (Stenson et al., 2014), supporting the functional importance of this region of the protein. Therefore, based on the currently available information, it is unclear whether this variant is a pathogenic variant or a rare benign variant.